The following is an entry in ClinVar:

ClinVar aggregate classification (germline): Uncertain significance. Review status: criteria provided, single submitter (1 of 4 stars). 2 submissions from 2 submitters: Uncertain significance (1). 1 of the submissions does not count toward it. Last evaluated 2023-06-21.

Conditions:
Cardiovascular phenotype. Identifiers: MedGen CN230736.
CAV3-related disorder. Also called: CAV3-related condition.

Allele frequency attached by ClinVar (database versions not stated): gnomAD exomes 0.00001.
gnomAD v4.1: 9 of 1,613,428 alleles (0.00056%); highest among the groups gnomAD compares: Non-Finnish European, 0.00076%; no homozygotes.

Submissions (2):

Ambry Genetics
Classification: Uncertain significance for Cardiovascular phenotype. Last evaluated: 2023-06-21. Review status: criteria provided, single submitter. Criteria: Ambry Variant Classification Scheme 2023. Collection method: clinical testing. Allele origin: germline.

PreventionGenetics, part of Exact Sciences
Classification: Uncertain significance for CAV3-related condition. Last evaluated: 2024-02-16. Review status: no assertion criteria provided. Collection method: clinical testing. Allele origin: germline. Not counted in ClinVar's aggregate classification.
Comment: The CAV3 c.37A>G variant is predicted to result in the amino acid substitution p.Ile13Val. To our knowledge, this variant has not been reported in the literature or in a large population database, indicating this variant is rare. At this time, the clinical significance of this variant is uncertain due to the absence of conclusive functional and genetic evidence.

NM_033337.3(CAV3):c.37A>G (p.Ile13Val)

Gene: CAV3 (caveolin 3; plus strand). Cytogenetic location: 3p25.3.
Variant type: single nucleotide variant.
Coding change: c.37A>G on transcript NM_033337.3 (MANE Select); coding-DNA position 37, A replaced by G.
Protein change: p.Ile13Val; replaces isoleucine 13 with valine.
Molecular consequence: missense variant.
Genome position (GRCh38, 1-based): chr3:8,733,913, A>G. VCF-style: chr3-8733913-A-G. GRCh37 (hg19) VCF-style: chr3-8775599-A-G.
Other names: c.37A>G, p.Ile13Val (NM_001234.5); short protein forms I13V.
Identifiers: ClinVar variation 2452813 (VCV002452813.4), dbSNP rs796052171, ClinGen allele CA351661300.
Genomic context (GRCh38, chr3:8,733,913, plus strand): 5'-CCTGTGGATCCCCCCAGCTCTGCGATGATGGCAGAAGAGCACACAGATCTCGAGGCCCAG[A>G]TCGTCAAGGATATCCACTGCAAGGAGATTGACCTGGTGAACCGAGACCCCAAGAACATTA-3'
Protein context (NP_203123.1, residues 3-23): AEEHTDLEAQ[Ile13Val]VKDIHCKEID